The following is an entry in ClinVar:

NM_018359.5(UFSP2):c.228T>C (p.Thr76=)

Genes: CFAP96 (cilia and flagella associated protein 96; plus strand), UFSP2 (UFM1 specific peptidase 2; minus strand). Cytogenetic location: 4q35.1.
Variant type: single nucleotide variant.
Coding change: c.228T>C on transcript NM_018359.5 (MANE Select); coding-DNA position 228, T replaced by C.
Protein change: p.Thr76=; no amino-acid change (threonine 76 retained).
Molecular consequence: synonymous variant. On other transcripts: non-coding transcript variant (2).
Genome position (GRCh38, 1-based): chr4:185,418,625, A>G on the plus strand (T>C on the coding strand, the complement: UFSP2 is on the minus strand). VCF-style: chr4-185418625-A-G. GRCh37 (hg19) VCF-style: chr4-186339779-A-G.
Identifiers: ClinVar variation 783432 (VCV000783432.7), dbSNP rs148448282, ClinGen allele CA3158669.
Genomic context (GRCh38, chr4:185,418,625, plus strand): 5'-AGAAATCTTCAAACATACTCACTGAATAAAGCGCAGTATGTTCTTACAAGCAGAAGCATC[A>G]GTCAGTTCTCCAGGAATGGTGTTTATGTCACTGCTAGGCCATATATACACTGAACTGTGG-3'
Protein context (NP_060829.2, residues 66-86): SDINTIPGEL[Thr76=]DASACKNILR

ClinVar aggregate classification (germline): Benign/Likely benign. Review status: criteria provided, multiple submitters, no conflicts (2 of 4 stars). 4 submissions from 4 submitters: Benign (2); Likely benign (2). Last evaluated 2026-08-01.

Allele frequency attached by ClinVar (database versions not stated): gnomAD exomes 0.00037 and 0.00093; ExAC 0.00111; 1000 Genomes Project 30x 0.00187; 1000 Genomes Project 0.00240; ESP Exome Variant Server 0.00408; gnomAD 0.00420 and 0.00466; TOPMed 0.00462.
gnomAD v4.1: 1,240 of 1,613,748 alleles (0.077%); highest among the groups gnomAD compares: African/African-American, 1.3%; 6 homozygotes.

Submissions (4):

CeGaT Center for Human Genetics Tuebingen
Classification: Likely benign. Last evaluated: 2026-08-01. Review status: criteria provided, single submitter. Criteria: CeGaT Center For Human Genetics Tuebingen Variant Classification Criteria Version 2. Collection method: clinical testing. Allele origin: germline. Affected: yes. Observed: 1 variant allele.
Comment: UFSP2: BP4, BP7, BS1

Blueprint Genetics
Classification: Likely benign. Last evaluated: 2024-11-14. Review status: criteria provided, single submitter. Criteria: ACMG Guidelines, 2015. Collection method: clinical testing. Allele origin: germline.

Labcorp Genetics (formerly Invitae), Labcorp
Classification: Benign. Last evaluated: 2019-12-31. Review status: criteria provided, single submitter. Criteria: Invitae Variant Classification Sherloc (09022015). Collection method: clinical testing. Allele origin: germline.

Breakthrough Genomics
Classification: Benign. Review status: criteria provided, single submitter. Criteria: ACMG Guidelines, 2015. Collection method: not provided. Allele origin: germline. Inheritance: Autosomal recessive inheritance. Affected: yes.